The following is an entry in ClinVar:

ClinVar aggregate classification (germline): Pathogenic (1 of 4 stars; one submission).

Conditions:
Lynch syndrome 5 (LYNCH5). Also called: Colorectal cancer, hereditary nonpolyposis, type 5; Hereditary non-polyposis colorectal cancer, type 5. Identifiers: Orphanet 144, MedGen C1833477, MONDO:0013710, OMIM 614350. Disease mechanism: loss of function.

Submission:

Myriad Genetics, Inc.
Classification: Pathogenic for Lynch syndrome 5. Last evaluated: 2023-08-28. Review status: criteria provided, single submitter. Criteria: Myriad Autosomal Dominant, Autosomal Recessive and X-Linked Classification Criteria (2023). Collection method: clinical testing. Allele origin: unknown.
Comment: This variant is considered pathogenic. This variant creates a frameshift predicted to result in premature protein truncation.

NM_000179.3(MSH6):c.3901_3902insG (p.Asn1301fs)

Gene: MSH6 (mutS homolog 6; plus strand). Cytogenetic location: 2p16.3.
Variant type: Insertion.
Coding change: c.3901_3902insG on transcript NM_000179.3 (MANE Select); coding-DNA positions 3901 to 3902, G inserted.
Protein change: p.Asn1301fs; shifts the reading frame from asparagine 1301.
Molecular consequence: frameshift variant. On other transcripts: non-coding transcript variant (5), intron variant (1).
Genome position: GRCh38 VCF-style: chr2-47806551-A-AG. GRCh37 (hg19) VCF-style: chr2-48033690-A-AG.
Other names: c.3511_3512insG, p.Asn1171fs (NM_001281492.2); c.2995_2996insG, p.Asn999fs (NM_001281493.2, NM_001281494.2, NM_001406811.1 and 6 more transcripts); c.3997_3998insG, p.Asn1333fs (NM_001406795.1); c.3901_3902insG, p.Asn1301fs (NM_001406796.1, NM_001406808.1, NM_001406809.1); c.3604_3605insG, p.Asn1202fs (NM_001406797.1, NM_001406801.1, NM_001406805.1 and 10 more transcripts); c.3727_3728insG, p.Asn1243fs (NM_001406798.1); c.3376_3377insG, p.Asn1126fs (NM_001406799.1, NM_001406806.1, NM_001406807.1); c.3888_3889insG, p.Met1297fs (NM_001406800.1); and 9 more; short protein forms M1297fs, N1013fs, N1126fs, N1171fs, N1202fs, N1243fs, N1245fs, N1275fs.
Identifiers: ClinVar variation 2673644 (VCV002673644.1), dbSNP rs2530867393, ClinGen allele CA2695200645.